The following is an entry in ClinVar:

NM_001378687.1(ATP2C1):c.-33T>C

Gene: ATP2C1 (ATPase secretory pathway Ca2+ transporting 1; plus strand). Cytogenetic location: 3q22.1.
Variant type: single nucleotide variant.
Coding change: c.-33T>C on transcript NM_001378687.1 (MANE Select); 33 bases upstream of the start codon, T replaced by C.
Molecular consequence: 5 prime UTR variant. On other transcripts: intron variant (7).
Genome position (GRCh38, 1-based): chr3:130,894,737, T>C. VCF-style: chr3-130894737-T-C. GRCh37 (hg19) VCF-style: chr3-130613581-T-C.
Other names: c.-33T>C (NM_001001485.3, NM_001001486.2, NM_001001487.2 and 5 more transcripts); c.109-35679T>C (NM_001378511.1, NM_001199180.2, NM_001199182.2 and 1 more transcripts); c.-43+400T>C (NM_001378514.1, NM_001199183.2, NM_001199184.3).
Identifiers: ClinVar variation 903237 (VCV000903237.4), dbSNP rs201306089, ClinGen allele CA2614659.

ClinVar aggregate classification (germline): Benign (1 of 4 stars; one submission).

Conditions:
Familial benign pemphigus (HHD). Identifiers: Orphanet 2841, MedGen C0085106, MONDO:0008218, OMIM 169600.

Allele frequency attached by ClinVar (database versions not stated): gnomAD 0.00001 and 0.00004; TOPMed 0.00001; ExAC 0.00002; gnomAD exomes 0.00002 and 0.00011; 1000 Genomes Project 30x 0.00016; 1000 Genomes Project 0.00020.
gnomAD v4.1: 169 of 1,614,156 alleles (0.01%); highest among the groups gnomAD compares: East Asian, 0.37%; 1 homozygote.

Submission:

Illumina Laboratory Services, Illumina
Classification: Benign for Familial benign pemphigus. Last evaluated: 2018-01-13. Review status: criteria provided, single submitter. Criteria: ICSL Variant Classification Criteria 13 December 2019. Collection method: clinical testing. Allele origin: germline.
Comment: This variant was observed in the ICSL laboratory as part of a predisposition screen in an ostensibly healthy population. It had not been previously curated by ICSL or reported in the Human Gene Mutation Database (HGMD: prior to June 1st, 2018), and was therefore a candidate for classification through an automated scoring system. Utilizing variant allele frequency, disease prevalence and penetrance estimates, and inheritance mode, an automated score was calculated to assess if this variant is too frequent to cause the disease. Based on the score and internal cut-off values, a variant classified as benign is not then subjected to further curation. The score for this variant resulted in a classification of benign for this disease.